The following is an entry in ClinVar:

ClinVar aggregate classification (germline): Uncertain significance (1 of 4 stars; one submission).

gnomAD v4.1: 2 of 1,614,152 alleles (0.00012%); highest among the groups gnomAD compares: Non-Finnish European, 0.00017%; no homozygotes.

Submission:

Labcorp Genetics (formerly Invitae), Labcorp
Classification: Uncertain significance. Last evaluated: 2021-10-20. Review status: criteria provided, single submitter. Criteria: Invitae Variant Classification Sherloc (09022015). Collection method: clinical testing. Allele origin: germline.
Comment: In summary, the available evidence is currently insufficient to determine the role of this variant in disease. Therefore, it has been classified as a Variant of Uncertain Significance. Algorithms developed to predict the effect of missense changes on protein structure and function are either unavailable or do not agree on the potential impact of this missense change (SIFT: "Deleterious"; PolyPhen-2: "Possibly Damaging"; Align-GVGD: "Class C0"). This variant has not been reported in the literature in individuals affected with CAD-related conditions. This variant is not present in population databases (ExAC no frequency). This sequence change replaces lysine with methionine at codon 1482 of the CAD protein (p.Lys1482Met). The lysine residue is highly conserved and there is a moderate physicochemical difference between lysine and methionine.

NM_004341.5(CAD):c.4445A>T (p.Lys1482Met)

Gene: CAD (carbamoyl-phosphate synthetase 2, aspartate transcarbamylase, and dihydroorotase; plus strand). Cytogenetic location: 2p23.3.
Variant type: single nucleotide variant.
Coding change: c.4445A>T on transcript NM_004341.5 (MANE Select); coding-DNA position 4445, A replaced by T.
Protein change: p.Lys1482Met; replaces lysine 1482 with methionine.
Molecular consequence: missense variant.
Genome position (GRCh38, 1-based): chr2:27,237,427, A>T. VCF-style: chr2-27237427-A-T. GRCh37 (hg19) VCF-style: chr2-27460295-A-T.
Other names: c.4256A>T, p.Lys1419Met (NM_001306079.2); short protein forms K1419M, K1482M.
Identifiers: ClinVar variation 1362316 (VCV001362316.6), dbSNP rs1676067236, ClinGen allele CA346219790.